The following is an entry in ClinVar:

ClinVar aggregate classification (germline): Likely benign. Review status: criteria provided, single submitter (1 of 4 stars). 2 submissions from 2 submitters: Likely benign (1). 1 of the submissions does not count toward it. Last evaluated 2023-09-15.

Conditions:
PCNT-related disorder. Also called: PCNT-related condition.

Allele frequency attached by ClinVar (database versions not stated): gnomAD exomes 0.00002.
gnomAD v4.1: 30 of 1,614,224 alleles (0.0019%); highest among the groups gnomAD compares: Non-Finnish European, 0.0025%; no homozygotes.

Submissions (2):

Labcorp Genetics (formerly Invitae), Labcorp
Classification: Likely benign. Last evaluated: 2023-09-15. Review status: criteria provided, single submitter. Criteria: Invitae Variant Classification Sherloc (09022015). Collection method: clinical testing. Allele origin: germline.

PreventionGenetics, part of Exact Sciences
Classification: Likely benign for PCNT-related condition. Last evaluated: 2023-09-07. Review status: no assertion criteria provided. Collection method: clinical testing. Allele origin: germline. Not counted in ClinVar's aggregate classification.
Comment: This variant is classified as likely benign based on ACMG/AMP sequence variant interpretation guidelines (Richards et al. 2015 PMID: 25741868, with internal and published modifications).

NM_006031.6(PCNT):c.9043T>C (p.Leu3015=)

Gene: PCNT (pericentrin; plus strand). Cytogenetic location: 21q22.3.
Variant type: single nucleotide variant.
Coding change: c.9043T>C on transcript NM_006031.6 (MANE Select); coding-DNA position 9043, T replaced by C.
Protein change: p.Leu3015=; no amino-acid change (leucine 3015 retained).
Molecular consequence: synonymous variant.
Genome position (GRCh38, 1-based): chr21:46,437,025, T>C. VCF-style: chr21-46437025-T-C. GRCh37 (hg19) VCF-style: chr21-47856938-T-C.
Other names: c.9043T>C (NM_006031.5); c.8452T>C, p.Leu2818= (NM_001315529.2).
Identifiers: ClinVar variation 2968892 (VCV002968892.5), dbSNP rs1410219770, ClinGen allele CA512750414.
Genomic context (GRCh38, chr21:46,437,025, plus strand): 5'-ATTTATTTTTACAGGACAGTTAATGATTGGACGTCATCCAATGAGAAAGCAGTGATGTCT[T>C]TACTGCACACGTTGGAGGAGCTGAAGTCTGACTTGAGCAGGCCCACCTCCTCCCAGGTAA-3'
Protein context (NP_006022.3, residues 3005-3025): TSSNEKAVMS[Leu3015=]LHTLEELKSD